The following is an entry in ClinVar:

NM_025137.4(SPG11):c.4598G>A (p.Ser1533Asn)

Gene: SPG11 (SPG11 vesicle trafficking associated, spatacsin; minus strand). Cytogenetic location: 15q21.1.
Variant type: single nucleotide variant.
Coding change: c.4598G>A on transcript NM_025137.4 (MANE Select); coding-DNA position 4598, G replaced by A.
Protein change: p.Ser1533Asn; replaces serine 1533 with asparagine.
Molecular consequence: missense variant.
Genome position (GRCh38, 1-based): chr15:44,595,296, C>T on the plus strand (G>A on the coding strand, the complement: SPG11 is on the minus strand). VCF-style: chr15-44595296-C-T. GRCh37 (hg19) VCF-style: chr15-44887494-C-T.
Other names: c.4598G>A, p.Ser1533Asn (NM_001160227.2, NM_001411132.1); short protein forms S1533N.
Identifiers: ClinVar variation 1806754 (VCV001806754.1), dbSNP rs371336932, ClinGen allele CA270091195.

ClinVar aggregate classification (germline): Uncertain significance (1 of 4 stars; one submission).

Allele frequency attached by ClinVar (database versions not stated): gnomAD exomes below 0.00001; gnomAD 0.00001; TOPMed 0.00002; ESP Exome Variant Server 0.00015.
gnomAD v4.1: 4 of 1,614,082 alleles (0.00025%); highest among the groups gnomAD compares: African/African-American, 0.0053%; no homozygotes.

Submission:

GeneDx
Classification: Uncertain significance. Last evaluated: 2022-06-21. Review status: criteria provided, single submitter. Criteria: GeneDx Variant Classification Process June 2021. Collection method: clinical testing. Allele origin: germline. Affected: yes.
Comment: Not observed at significant frequency in large population cohorts (gnomAD); In silico analysis supports that this missense variant does not alter protein structure/function; Has not been previously published as pathogenic or benign to our knowledge